The following is an entry in ClinVar:

NM_000540.3(RYR1):c.13847C>A (p.Ala4616Asp)

Gene: RYR1 (ryanodine receptor 1; plus strand). Cytogenetic location: 19q13.2.
Variant type: single nucleotide variant.
Coding change: c.13847C>A on transcript NM_000540.3 (MANE Select); coding-DNA position 13847, C replaced by A.
Protein change: p.Ala4616Asp; replaces alanine 4616 with aspartic acid.
Molecular consequence: missense variant.
Genome position (GRCh38, 1-based): chr19:38,572,119, C>A. VCF-style: chr19-38572119-C-A. GRCh37 (hg19) VCF-style: chr19-39062759-C-A.
Other names: c.13832C>A, p.Ala4611Asp (NM_001042723.2); short protein forms A4616D, A4611D.
Identifiers: ClinVar variation 256433 (VCV000256433.18), dbSNP rs59468283, ClinGen allele CA060596.

ClinVar aggregate classification (germline): Likely benign. Review status: criteria provided, multiple submitters, no conflicts (2 of 4 stars). 7 submissions from 7 submitters: Likely benign (7). Last evaluated 2026-07-01.

Conditions:
RYR1-related disorder. Also called: RYR1-related disorders; RYR1-related condition. Identifiers: MedGen CN239331.
Inborn genetic diseases. Identifiers: MedGen C0950123, MeSH D030342.
Malignant hyperthermia, susceptibility to, 1 (MHS1). Also called: Malignant hyperthermia suceptibility 1; Anesthesia related hyperthermia; Malignant hyperpyrexia; Fulminating hyperpyrexia; Pharmacogenic myopathy; RYR1-Related Malignant Hyperthermia Susceptibility. Identifiers: Orphanet 423, MedGen C2930980, MONDO:0007783, OMIM 145600.

Allele frequency attached by ClinVar (database versions not stated): ESP Exome Variant Server 0.00131; gnomAD 0.00132 and 0.00140; TOPMed 0.00142; 1000 Genomes Project 0.00160; 1000 Genomes Project 30x 0.00234.
gnomAD v4.1: 399 of 1,614,056 alleles (0.025%); highest among the groups gnomAD compares: African/African-American, 0.5%; 1 homozygote.

Submissions (7):

CeGaT Center for Human Genetics Tuebingen
Classification: Likely benign. Last evaluated: 2026-07-01. Review status: criteria provided, single submitter. Criteria: CeGaT Center For Human Genetics Tuebingen Variant Classification Criteria Version 2. Collection method: clinical testing. Allele origin: germline. Affected: yes. Observed: 1 variant allele.
Comment: RYR1: BS2

Labcorp Genetics (formerly Invitae), Labcorp
Classification: Likely benign for RYR1-related disorder. Last evaluated: 2026-01-28. Review status: criteria provided, single submitter. Criteria: Invitae Variant Classification Sherloc (09022015). Collection method: clinical testing. Allele origin: germline.

Blueprint Genetics
Classification: Likely benign. Last evaluated: 2024-11-28. Review status: criteria provided, single submitter. Criteria: ACMG Guidelines, 2015. Collection method: clinical testing. Allele origin: germline.

Ambry Genetics
Classification: Likely benign for Inborn genetic diseases. Last evaluated: 2023-05-15. Review status: criteria provided, single submitter. Criteria: Ambry Variant Classification Scheme 2023. Collection method: clinical testing. Allele origin: germline.

Color Diagnostics, LLC DBA Color Health
Classification: Likely benign for Malignant hyperthermia, susceptibility to, 1. Last evaluated: 2022-08-18. Review status: criteria provided, single submitter. Criteria: ACMG Guidelines, 2015. Collection method: clinical testing. Allele origin: germline.

GeneDx
Classification: Likely benign. Last evaluated: 2020-12-14. Review status: criteria provided, single submitter. Criteria: GeneDx Variant Classification Process June 2021. Collection method: clinical testing. Allele origin: germline. Affected: yes.

PreventionGenetics, part of Exact Sciences
Classification: Likely benign. Review status: criteria provided, single submitter. Criteria: ACMG Guidelines, 2015. Collection method: clinical testing. Allele origin: germline.